The following is an entry in ClinVar:

NM_001374385.1(ATP8B1):c.3401-167C>T

Genes: ATP8B1 (ATPase phospholipid transporting 8B1; minus strand), ATP8B1-AS1 (ATP8B1 antisense RNA 1; plus strand). Cytogenetic location: 18q21.31.
Variant type: single nucleotide variant.
Coding change: c.3401-167C>T on transcript NM_001374385.1 (MANE Select); 167 bases into the intron before coding-DNA position 3401, C replaced by T.
Molecular consequence: intron variant.
Genome position (GRCh38, 1-based): chr18:57,650,664, G>A on the plus strand (C>T on the coding strand, the complement: ATP8B1 is on the minus strand). VCF-style: chr18-57650664-G-A. GRCh37 (hg19) VCF-style: chr18-55317896-G-A.
Other names: c.3401-167C>T (NM_005603.6); c.3251-167C>T (NM_001374386.1).
Identifiers: ClinVar variation 1180894 (VCV001180894.3), dbSNP rs8097764, ClinGen allele CA14518903.

ClinVar aggregate classification (germline): Benign. Review status: criteria provided, multiple submitters, no conflicts (2 of 4 stars). 2 submissions from 2 submitters: Benign (2). Last evaluated 2026-04-14.

Conditions:
Familial intrahepatic cholestasis. Identifiers: Orphanet 284385, MedGen CN296401, MONDO:0017290.

Allele frequency attached by ClinVar (database versions not stated): 1000 Genomes Project 30x 0.04263; 1000 Genomes Project 0.04473; TOPMed 0.07469; gnomAD 0.07784 and 0.08054.
gnomAD v4.1: 12,029 of 152,052 alleles (7.9%); highest among the groups gnomAD compares: Non-Finnish European, 11%; 644 homozygotes.

Submissions (2):

Genomenon, Inc
Classification: Benign for Familial intrahepatic cholestasis. Last evaluated: 2026-04-14. Review status: criteria provided, single submitter. Criteria: Genomenon Sequence Variant Interpretation Standards - Updated. Collection method: curation. Allele origin: germline. Affected: no.
Comment: ATP8B1 c.3401-167C>T is a deep intronic variant located in intron 26. This variant is present at high allele frequency in population databases. In conclusion, we classify ATP8B1 c.3401-167C>T as a benign variant.

GeneDx
Classification: Benign. Last evaluated: 2018-11-10. Review status: criteria provided, single submitter. Criteria: GeneDx Variant Classification Process June 2021. Collection method: clinical testing. Allele origin: germline. Affected: yes.